The following is an entry in ClinVar:

ClinVar aggregate classification (germline): Uncertain significance (1 of 4 stars; one submission).

Conditions:
FOXP2-related disorder. Also called: FOXP2-related condition.

gnomAD v4.1: 7 of 1,613,850 alleles (0.00043%); highest among the groups gnomAD compares: African/African-American, 0.0067%; no homozygotes.

Submission:

PreventionGenetics, part of Exact Sciences
Classification: Uncertain significance for FOXP2-related condition. Last evaluated: 2025-07-16. Review status: criteria provided, single submitter. Criteria: ACMG Guidelines, 2015. Collection method: clinical testing. Allele origin: germline.
Comment: The FOXP2 c.1334A>G variant is predicted to result in the amino acid substitution p.Gln445Arg. To our knowledge, this variant has not been reported in the literature. This variant is reported in 0.011% of alleles in individuals of African descent in gnomAD. At this time, the clinical significance of this variant is uncertain due to the absence of conclusive functional and genetic evidence.

NM_014491.4(FOXP2):c.1334A>G (p.Gln445Arg)

Gene: FOXP2 (forkhead box P2; plus strand). Cytogenetic location: 7q31.1.
Variant type: single nucleotide variant.
Coding change: c.1334A>G on transcript NM_014491.4 (MANE Select); coding-DNA position 1334, A replaced by G.
Protein change: p.Gln445Arg; replaces glutamine 445 with arginine.
Molecular consequence: missense variant. On other transcripts: non-coding transcript variant (1).
Genome position (GRCh38, 1-based): chr7:114,658,133, A>G. VCF-style: chr7-114658133-A-G. GRCh37 (hg19) VCF-style: chr7-114298188-A-G.
Other names: c.1331A>G, p.Gln444Arg (NM_001172766.3); c.1409A>G, p.Gln470Arg (NM_148898.4); c.1385A>G, p.Gln462Arg (NM_148900.4); short protein forms Q444R, Q445R, Q462R, Q470R.
Identifiers: ClinVar variation 5002360 (VCV005002360.1).